The following is an entry in ClinVar:

NM_003718.5(CDK13):c.3143_3154del (p.Ser1048_Asp1052delinsTyr)

Gene: CDK13 (cyclin dependent kinase 13; plus strand). Cytogenetic location: 7p14.1.
Variant type: Deletion.
Coding change: c.3143_3154del on transcript NM_003718.5 (MANE Select); coding-DNA positions 3143 to 3154, 12 bases deleted (CTCTGGGCTTGG).
Protein change: p.Ser1048_Asp1052delinsTyr.
Molecular consequence: inframe indel.
Genome position (GRCh38, 1-based): chr7:40,088,239-40,088,250, CTCTGGGCTTGG deleted. VCF-style (leftmost placement, unchanged base first): chr7-40088238-TCTCTGGGCTTGG-T. GRCh37 (hg19) VCF-style: chr7-40127837-TCTCTGGGCTTGG-T.
Other names: c.3143_3154delCTCTGGGCTTGG, p.Ser1048_Asp1052delinsTyr (NM_031267.4).
Identifiers: ClinVar variation 4074803 (VCV004074803.2).

ClinVar aggregate classification (germline): Uncertain significance. Review status: criteria provided, multiple submitters, no conflicts (2 of 4 stars). 2 submissions from 2 submitters: Uncertain significance (2). Last evaluated 2025-06-24.

Conditions:
Intellectual disability. Also called: Intellectual functioning disability; intellectual disabilities; Intellectual developmental disorder. Identifiers: MedGen C3714756, MeSH D008607, MONDO:0001071, HP:0001249.

Submissions (2):

Labcorp Genetics (formerly Invitae), Labcorp
Classification: Uncertain significance. Last evaluated: 2025-06-24. Review status: criteria provided, single submitter. Criteria: Invitae Variant Classification Sherloc (09022015). Collection method: clinical testing. Allele origin: germline.
Comment: This variant, c.3143_3154del, is a complex sequence change that results in the deletion of 5 and insertion of 1 amino acid(s) in the CDK13 protein (p.Ser1048_Asp1052delinsTyr). This variant is present in population databases (no rsID available, gnomAD 0.002%). This variant has not been reported in the literature in individuals affected with CDK13-related conditions. Experimental studies and prediction algorithms are not available or were not evaluated, and the functional significance of this variant is currently unknown. In summary, the available evidence is currently insufficient to determine the role of this variant in disease. Therefore, it has been classified as a Variant of Uncertain Significance.

Cambridge Genomics Laboratory, East Genomic Laboratory Hub, NHS Genomic Medicine Service
Classification: Uncertain significance for Intellectual disability. Last evaluated: 2020-07-13. Review status: criteria provided, single submitter. Criteria: ACGS Best Practice Guidelines for Variant Classification in Rare Disease 2020. Collection method: clinical testing. Allele origin: germline. Affected: yes. Observed: 1 variant allele.